The following is an entry in ClinVar:

ClinVar aggregate classification (germline): Pathogenic (1 of 4 stars; one submission).

Submission:

Ambry Genetics
Classification: Pathogenic. Last evaluated: 2016-09-09. Review status: criteria provided, single submitter. Criteria: Ambry Variant Classification Scheme 2023. Collection method: clinical testing. Allele origin: germline.
Comment: The c.1567dupT pathogenic mutation, located in coding exon 2 of the KIAA2022 gene, results from a duplication of T at nucleotide position 1567, causing a translational frameshift with a predicted alternate stop codon (p.W523Lfs*12). This alteration is expected to result in loss of function by premature protein truncation or nonsense-mediated mRNA decay. As such, this alteration is interpreted as a disease-causing mutation.

NM_001008537.3(NEXMIF):c.1567dup (p.Trp523fs)

Gene: NEXMIF (neurite extension and migration factor; minus strand). Cytogenetic location: Xq13.3.
Variant type: Duplication.
Coding change: c.1567dup on transcript NM_001008537.3 (MANE Select); coding-DNA position 1567, one base duplicated (T; older notation c.1567dupT).
Protein change: p.Trp523fs; shifts the reading frame from tryptophan 523.
Molecular consequence: frameshift variant.
Genome position (GRCh38, 1-based): chrX:74,742,990, A duplicated on the plus strand (T on the coding strand, the reverse complement: NEXMIF is on the minus strand). VCF-style (leftmost placement, unchanged base first): chrX-74742989-C-CA. GRCh37 (hg19) VCF-style: chrX-73962824-C-CA.
Other names: c.1567dupT (NM_001008537.2); short protein forms W523fs.
Identifiers: ClinVar variation 588255 (VCV000588255.5), dbSNP rs1569335666, ClinGen allele CA891844023.